The following is an entry in ClinVar:

ClinVar aggregate classification (germline): Likely benign (1 of 4 stars; one submission).

Allele frequency attached by ClinVar (database versions not stated): 1000 Genomes Project 30x 0.00047; 1000 Genomes Project 0.00060; TOPMed 0.00215; gnomAD 0.00221; gnomAD exomes 0.00260; ExAC 0.00283; ESP Exome Variant Server 0.00323.

Submission:

CeGaT Center for Human Genetics Tuebingen
Classification: Likely benign. Last evaluated: 2026-04-01. Review status: criteria provided, single submitter. Criteria: CeGaT Center For Human Genetics Tuebingen Variant Classification Criteria Version 2. Collection method: clinical testing. Allele origin: germline. Affected: yes. Observed: 6 variant alleles.
Comment: GPATCH4: BP4, BP7

NM_001396855.1(GPATCH4):c.297T>C (p.His99=)

Gene: GPATCH4 (G-patch domain containing 4 (gene/pseudogene); minus strand). Cytogenetic location: 1q22.
Variant type: single nucleotide variant.
Coding change: c.297T>C on transcript NM_001396855.1 (MANE Select); coding-DNA position 297, T replaced by C.
Protein change: p.His99=; no amino-acid change (histidine 99 retained).
Molecular consequence: synonymous variant.
Genome position (GRCh38, 1-based): chr1:156,598,071, A>G on the plus strand (T>C on the coding strand, the complement: GPATCH4 is on the minus strand). VCF-style: chr1-156598071-A-G. GRCh37 (hg19) VCF-style: chr1-156567863-A-G.
Other names: c.312T>C, p.His104= (NM_001396861.1, NM_015590.4); c.297T>C, p.His99= (NM_182679.3).
Identifiers: ClinVar variation 2639457 (VCV002639457.24), dbSNP rs150650489, ClinGen allele CA1163222.
Genomic context (GRCh38, chr1:156,598,071, plus strand): 5'-TCTGTTACCCACAGCCTCTAATACCTTCACAAACTTCTGATACAGCAAGTTGGGCTTGGG[A>G]TGATTATAACGGGTGGTCTCCTTAGAAAGGCTCCTTATCTGTACTCCATCCTGTAGAGAA-3'
Protein context (NP_001383784.1, residues 89-109): SLSKETTRYN[His99=]PKPNLLYQKF